The following is an entry in ClinVar:

ClinVar aggregate classification (germline): Likely benign (1 of 4 stars; one submission).

Conditions:
Leigh syndrome (NULS). Also called: Leigh's necrotizing encephalopathy; Leigh's disease; Leigh Syndrome (mtDNA deletion); Leigh Disease; Subacute necrotizing encephalopathy; Necrotizing encephalopathy infantile subacute of Leigh. Identifiers: Orphanet 506, MedGen C2931891, MONDO:0009723, OMIM 256000.

Submission:

Wong Mito Lab, Molecular and Human Genetics, Baylor College of Medicine
Classification: Likely benign for Leigh syndrome. Last evaluated: 2019-10-17. Review status: criteria provided, single submitter. Criteria: Modified ACMG Guidelines (Unpublished). Collection method: clinical testing. Allele origin: germline.
Comment: The NC_012920.1:m.4612T>C (YP_003024027.1:p.Met48Thr) variant in MTND2 gene is interpretated to be a Likely Benign variant based on the modified ACMG guidelines (unpublished). This variant meets the following evidence codes: BS1, BP4

NC_012920.1(MT-ND2):m.4612T>C

Gene: MT-ND2 (mitochondrially encoded NADH dehydrogenase 2; plus strand).
Variant type: single nucleotide variant.
Genome position: chrM-4612-T-C.
Identifiers: ClinVar variation 692467 (VCV000692467.1), dbSNP rs1603219525, ClinGen allele CA414774953.